The following is an entry in ClinVar:

NM_001145715.3(KPNA7):c.806C>T (p.Thr269Ile)

Gene: KPNA7 (karyopherin subunit alpha 7; minus strand). Cytogenetic location: 7q22.1.
Variant type: single nucleotide variant.
Coding change: c.806C>T on transcript NM_001145715.3 (MANE Select); coding-DNA position 806, C replaced by T.
Protein change: p.Thr269Ile; replaces threonine 269 with isoleucine.
Molecular consequence: missense variant.
Genome position (GRCh38, 1-based): chr7:99,188,394, G>A on the plus strand (C>T on the coding strand, the complement: KPNA7 is on the minus strand). VCF-style: chr7-99188394-G-A. GRCh37 (hg19) VCF-style: chr7-98786017-G-A.
Other names: c.806C>T (NM_001145715.1); short protein forms T269I.
Identifiers: ClinVar variation 1481763 (VCV001481763.5), dbSNP rs1300481788, ClinGen allele CA368419756.

ClinVar aggregate classification (germline): Uncertain significance. Review status: criteria provided, multiple submitters, no conflicts (2 of 4 stars). 2 submissions from 2 submitters: Uncertain significance (2). Last evaluated 2023-04-19.

Allele frequency attached by ClinVar (database versions not stated): gnomAD 0.00001; gnomAD exomes 0.00001; TOPMed 0.00002.
gnomAD v4.1: 16 of 1,551,528 alleles (0.001%); highest among the groups gnomAD compares: East Asian, 0.0024%; no homozygotes.

Submissions (2):

Ambry Genetics
Classification: Uncertain significance. Last evaluated: 2023-04-19. Review status: criteria provided, single submitter. Criteria: Ambry Variant Classification Scheme 2023. Collection method: clinical testing. Allele origin: germline.

Labcorp Genetics (formerly Invitae), Labcorp
Classification: Uncertain significance. Last evaluated: 2021-09-09. Review status: criteria provided, single submitter. Criteria: Invitae Variant Classification Sherloc (09022015). Collection method: clinical testing. Allele origin: germline.
Comment: This sequence change replaces threonine with isoleucine at codon 269 of the KPNA7 protein (p.Thr269Ile). The threonine residue is highly conserved and there is a moderate physicochemical difference between threonine and isoleucine. This variant is not present in population databases (ExAC no frequency). This variant has not been reported in the literature in individuals affected with KPNA7-related conditions. Algorithms developed to predict the effect of missense changes on protein structure and function are either unavailable or do not agree on the potential impact of this missense change (SIFT: "Deleterious"; PolyPhen-2: "Probably Damaging"; Align-GVGD: "Class C0"). In summary, the available evidence is currently insufficient to determine the role of this variant in disease. Therefore, it has been classified as a Variant of Uncertain Significance.